The following is an entry in ClinVar:

NM_007192.4(SUPT16H):c.2181C>T (p.Ala727=)

Gene: SUPT16H (SPT16 homolog, facilitates chromatin remodeling subunit; minus strand). Cytogenetic location: 14q11.2.
Variant type: single nucleotide variant.
Coding change: c.2181C>T on transcript NM_007192.4 (MANE Select); coding-DNA position 2181, C replaced by T.
Protein change: p.Ala727=; no amino-acid change (alanine 727 retained).
Molecular consequence: synonymous variant.
Genome position (GRCh38, 1-based): chr14:21,359,604, G>A on the plus strand (C>T on the coding strand, the complement: SUPT16H is on the minus strand). VCF-style: chr14-21359604-G-A. GRCh37 (hg19) VCF-style: chr14-21827763-G-A.
Identifiers: ClinVar variation 784277 (VCV000784277.6), dbSNP rs116488615, ClinGen allele CA7089879.
Genomic context (GRCh38, chr14:21,359,604, plus strand): 5'-TATCTCTCCCACTTCTGTGTAGAACTGCACATCCGTGTGCCGCTTCTTCCCAAACATGAT[G>A]GCATTCTGTCGGCATAAAACAGAAAGAACACAGAAGTCAGAAACACAAAGGTATCTGTGA-3'
Protein context (NP_009123.1, residues 717-737): IIVLHFHLKN[Ala727=]IMFGKKRHTD

ClinVar aggregate classification (germline): Benign. Review status: criteria provided, multiple submitters, no conflicts (2 of 4 stars). 3 submissions from 3 submitters: Benign (2). 1 of the submissions does not count toward it. Last evaluated 2018-12-27.

Conditions:
SUPT16H-related disorder. Also called: SUPT16H-related condition.

Allele frequency attached by ClinVar (database versions not stated): gnomAD exomes 0.00176 and 0.00087; gnomAD 0.00740 and 0.00691; ESP Exome Variant Server 0.00761; ExAC 0.00230; 1000 Genomes Project 30x 0.00953; TOPMed 0.00738; 1000 Genomes Project 0.00958.
gnomAD v4.1: 2,409 of 1,613,516 alleles (0.15%); highest among the groups gnomAD compares: African/African-American, 2.4%; 27 homozygotes.

Submissions (3):

Labcorp Genetics (formerly Invitae), Labcorp
Classification: Benign. Last evaluated: 2018-12-27. Review status: criteria provided, single submitter. Criteria: Invitae Variant Classification Sherloc (09022015). Collection method: clinical testing. Allele origin: germline.

Breakthrough Genomics
Classification: Benign. Review status: criteria provided, single submitter. Criteria: ACMG Guidelines, 2015. Collection method: not provided. Allele origin: germline. Inheritance: Autosomal dominant inheritance. Affected: yes.

PreventionGenetics, part of Exact Sciences
Classification: Benign for SUPT16H-related condition. Last evaluated: 2019-02-20. Review status: no assertion criteria provided. Collection method: clinical testing. Allele origin: germline. Not counted in ClinVar's aggregate classification.
Comment: This variant is classified as benign based on ACMG/AMP sequence variant interpretation guidelines (Richards et al. 2015 PMID: 25741868, with internal and published modifications).